The following is an entry in ClinVar:

ClinVar aggregate classification (germline): Likely benign (1 of 4 stars; one submission).

Submission:

CeGaT Center for Human Genetics Tuebingen
Classification: Likely benign. Last evaluated: 2022-04-01. Review status: criteria provided, single submitter. Criteria: CeGaT Center For Human Genetics Tuebingen Variant Classification Criteria Version 2. Collection method: clinical testing. Allele origin: germline. Affected: yes. Observed: 1 variant allele.
Comment: EPB41L1: PM2:Supporting, BP4, BP7

NM_012156.2(EPB41L1):c.240C>A (p.Pro80=)

Gene: EPB41L1 (erythrocyte membrane protein band 4.1 like 1; plus strand). Cytogenetic location: 20q11.23.
Variant type: single nucleotide variant.
Coding change: c.240C>A on transcript NM_012156.2 (MANE Select); coding-DNA position 240, C replaced by A.
Protein change: p.Pro80=; no amino-acid change (proline 80 retained).
Molecular consequence: synonymous variant.
Genome position (GRCh38, 1-based): chr20:36,175,613, C>A. VCF-style: chr20-36175613-C-A. GRCh37 (hg19) VCF-style: chr20-34763535-C-A.
Other names: c.54C>A, p.Pro18= (NM_177996.2, NM_001258331.2, NM_001424373.1 and 19 more transcripts); c.240C>A, p.Pro80= (NM_001258329.1, NM_001424382.1, NM_001424383.1 and 13 more transcripts); c.147C>A, p.Pro49= (NM_001258330.1).
Identifiers: ClinVar variation 2652289 (VCV002652289.24), dbSNP rs2061193432, ClinGen allele CA510444074.